The following is an entry in ClinVar:

ClinVar aggregate classification (germline): Uncertain significance. Review status: criteria provided, multiple submitters, no conflicts (2 of 4 stars). 3 submissions from 3 submitters: Uncertain significance (3). Last evaluated 2021-10-15.

Conditions:
MHC class II deficiency. Also called: BLS, TYPE II; Bare lymphocyte syndrome 2. Identifiers: Orphanet 572, MedGen C5447452, MONDO:0008855.

Submissions (3):

Labcorp Genetics (formerly Invitae), Labcorp
Classification: Uncertain significance for MHC class II deficiency. Last evaluated: 2021-10-15. Review status: criteria provided, single submitter. Criteria: Invitae Variant Classification Sherloc (09022015). Collection method: clinical testing. Allele origin: germline.
Comment: This sequence change replaces proline with arginine at codon 61 of the RFXAP protein (p.Pro61Arg). The proline residue is moderately conserved and there is a moderate physicochemical difference between proline and arginine. The frequency data for this variant in the population databases is considered unreliable, as metrics indicate insufficient coverage at this position in the ExAC database. This variant has not been reported in the literature in individuals affected with RFXAP-related conditions. Algorithms developed to predict the effect of missense changes on protein structure and function (SIFT, PolyPhen-2, Align-GVGD) all suggest that this variant is likely to be tolerated. In summary, the available evidence is currently insufficient to determine the role of this variant in disease. Therefore, it has been classified as a Variant of Uncertain Significance.

Ambry Genetics
Classification: Uncertain significance. Last evaluated: 2021-10-12. Review status: criteria provided, single submitter. Criteria: Ambry Variant Classification Scheme 2023. Collection method: clinical testing. Allele origin: germline.

Blueprint Genetics
Classification: Uncertain significance. Last evaluated: 2019-10-15. Review status: criteria provided, single submitter. Criteria: ACMG Guidelines, 2015. Collection method: clinical testing. Allele origin: germline.

NM_000538.4(RFXAP):c.182C>G (p.Pro61Arg)

Gene: RFXAP (regulatory factor X associated protein; plus strand). Cytogenetic location: 13q13.3.
Variant type: single nucleotide variant.
Coding change: c.182C>G on transcript NM_000538.4 (MANE Select); coding-DNA position 182, C replaced by G.
Protein change: p.Pro61Arg; replaces proline 61 with arginine.
Molecular consequence: missense variant.
Genome position (GRCh38, 1-based): chr13:36,819,539, C>G. VCF-style: chr13-36819539-C-G. GRCh37 (hg19) VCF-style: chr13-37393676-C-G.
Other names: c.182C>G (NM_000538.3); short protein forms P61R.
Identifiers: ClinVar variation 1408189 (VCV001408189.8), dbSNP rs868311919, ClinGen allele CA387853669.